The following is an entry in ClinVar:

NM_007294.4(BRCA1):c.5035C>A (p.Leu1679Ile)

Gene: BRCA1 (BRCA1 DNA repair associated; minus strand). Cytogenetic location: 17q21.31.
Variant type: single nucleotide variant.
Coding change: c.5035C>A on transcript NM_007294.4 (MANE Select); coding-DNA position 5035, C replaced by A.
Protein change: p.Leu1679Ile; replaces leucine 1679 with isoleucine.
Molecular consequence: missense variant. On other transcripts: non-coding transcript variant (1).
Genome position (GRCh38, 1-based): chr17:43,067,647, G>T on the plus strand (C>A on the coding strand, the complement: BRCA1 is on the minus strand). VCF-style: chr17-43067647-G-T. GRCh37 (hg19) VCF-style: chr17-41219664-G-T.
Other names: c.5020C>A, p.Leu1674Ile (NM_001407647.1); c.4978C>A, p.Leu1660Ile (NM_001407648.1); c.4951C>A, p.Leu1651Ile (NM_001407661.1, NM_001407662.1, NM_001407663.1 and 2 more transcripts); c.4912C>A, p.Leu1638Ile (NM_001407664.1, NM_001407665.1, NM_001407666.1 and 6 more transcripts); c.4909C>A, p.Leu1637Ile (NM_001407680.1, NM_001407939.1, NM_001407940.1 and 11 more transcripts); c.4906C>A, p.Leu1636Ile (NM_001407681.1, NM_001407682.1, NM_001407683.1 and 6 more transcripts); c.5035C>A, p.Leu1679Ile (NM_001407684.1, NM_001407854.1, NM_001407593.1 and 8 more transcripts); c.4894C>A, p.Leu1632Ile (NM_001407725.1, NM_001407726.1, NM_001407727.1 and 13 more transcripts); and 70 more; short protein forms L1679I, L1700I, L1632I, L575I, L1551I, L1590I, L1591I, L1609I.
Identifiers: ClinVar variation 867557 (VCV000867557.3), dbSNP rs934248073, ClinGen allele CA10591446.

Conditions:
Breast-ovarian cancer, familial, susceptibility to, 1 (BROVCA1). Also called: BRCA1 Hereditary Breast and Ovarian Cancer; OVARIAN CANCER, SUSCEPTIBILITY TO. Identifiers: Orphanet 145, MedGen C2676676, MONDO:0011450, OMIM 604370. Disease mechanism: loss of function.

Allele frequency attached by ClinVar (database versions not stated): gnomAD exomes below 0.00001.
gnomAD v4.1: 1 of 1,613,328 alleles (0.000062%); highest among the groups gnomAD compares: Admixed American, 0.0017%; no homozygotes.

Submission:

Brotman Baty Institute, University of Washington
No classification provided (evidence only). Condition: Breast-ovarian cancer, familial 1. Review status: no classification provided. Collection method: in vitro. Allele origin: not applicable. Functional consequence: functionally_normal.
ClinVar note: "not provided" was previously submitted as the classification for the variant. However, the classification appeared to be based only on an observation of functional data so it was converted to no classification on 2025-07-30.